The following is an entry in ClinVar:

ClinVar aggregate classification (germline): Benign (1 of 4 stars; one submission).

Allele frequency attached by ClinVar (database versions not stated): 1000 Genomes Project 0.02536; 1000 Genomes Project 30x 0.02639; TOPMed 0.04925; gnomAD 0.05752 and 0.05914.

Submission:

GeneDx
Classification: Benign. Last evaluated: 2018-06-14. Review status: criteria provided, single submitter. Criteria: GeneDx Variant Classification (06012015). Collection method: clinical testing. Allele origin: germline. Affected: yes.
Comment: This variant is considered likely benign or benign based on one or more of the following criteria: it is a conservative change, it occurs at a poorly conserved position in the protein, it is predicted to be benign by multiple in silico algorithms, and/or has population frequency not consistent with disease.

NM_006846.4(SPINK5):c.2314-322G>A

Gene: SPINK5 (serine peptidase inhibitor Kazal type 5; plus strand). Cytogenetic location: 5q32.
Variant type: single nucleotide variant.
Coding change: c.2314-322G>A on transcript NM_006846.4 (MANE Select); 322 bases into the intron before coding-DNA position 2314, G replaced by A.
Molecular consequence: intron variant.
Genome position (GRCh38, 1-based): chr5:148,119,687, G>A. VCF-style: chr5-148119687-G-A. GRCh37 (hg19) VCF-style: chr5-147499250-G-A.
Other names: c.2314-322G>A (NM_001127698.2, NM_001127699.2).
Identifiers: ClinVar variation 672944 (VCV000672944.1), dbSNP rs11745768, ClinGen allele CA128936664.